The following is an entry in ClinVar:

ClinVar aggregate classification (germline): Likely benign (1 of 4 stars; one submission).

Allele frequency attached by ClinVar (database versions not stated): gnomAD exomes below 0.00001; TOPMed below 0.00001.

Submission:

CeGaT Center for Human Genetics Tuebingen
Classification: Likely benign. Last evaluated: 2022-05-01. Review status: criteria provided, single submitter. Criteria: CeGaT Center For Human Genetics Tuebingen Variant Classification Criteria Version 2. Collection method: clinical testing. Allele origin: germline. Affected: yes. Observed: 1 variant allele.
Comment: TECTA: PM2:Supporting, BP4, BP7

NM_005422.4(TECTA):c.837C>T (p.Cys279=)

Genes: TBCEL-TECTA (TBCEL-TECTA readthrough; plus strand), TECTA (tectorin alpha; plus strand). Cytogenetic location: 11q23.3.
Variant type: single nucleotide variant.
Coding change: c.837C>T on transcript NM_005422.4 (MANE Select); coding-DNA position 837, C replaced by T.
Protein change: p.Cys279=; no amino-acid change (cysteine 279 retained).
Molecular consequence: synonymous variant.
Genome position (GRCh38, 1-based): chr11:121,118,352, C>T. VCF-style: chr11-121118352-C-T. GRCh37 (hg19) VCF-style: chr11-120989061-C-T.
Other names: c.1794C>T, p.Cys598= (NM_001378761.1).
Identifiers: ClinVar variation 1694651 (VCV001694651.31), dbSNP rs1946520391, ClinGen allele CA477209199.
Genomic context (GRCh38, chr11:121,118,352, plus strand): 5'-TCATTATTCCCCAGGACAATTCCTTCGGCGAGGGGAGGTGTTTTGGGATGACTTGAACTG[C>T]ACCGTCAAGTGCCGCTGTCTGGATTTCAACAATGAGATCTACTGCCAGGAGGCTTCCTGT-3'
Protein context (NP_005413.2, residues 269-289): RGEVFWDDLN[Cys279=]TVKCRCLDFN